The following is an entry in ClinVar:

NC_000023.10:g.(?_153657039)_(153664237_?)dup

Gene: ATP6AP1 (ATPase H+ transporting accessory protein 1; plus strand). Cytogenetic location: Xq28.
Variant type: Duplication.
Identifiers: ClinVar variation 1387113 (VCV001387113.2).

ClinVar aggregate classification (germline): Uncertain significance (1 of 4 stars; one submission).

Submission:

Labcorp Genetics (formerly Invitae), Labcorp
Classification: Uncertain significance. Last evaluated: 2023-12-29. Review status: criteria provided, single submitter. Criteria: Invitae Variant Classification Sherloc (09022015). Collection method: clinical testing. Allele origin: germline.
Comment: A copy number gain of the genomic region encompassing the full coding sequence of the ATP6AP1 gene has been identified. The boundaries of this event are unknown as they extend beyond the assayed region for this gene and therefore may encompass additional genes. As the precise location of this event is unknown, it may be in tandem or it may be located elsewhere in the genome. This variant has not been reported in the literature in individuals affected with ATP6AP1-related conditions. In summary, the available evidence is currently insufficient to determine the role of this variant in disease. Therefore, it has been classified as a Variant of Uncertain Significance.